The following is an entry in ClinVar:

ClinVar aggregate classification (germline): Uncertain significance (1 of 4 stars; one submission).

Conditions:
Hereditary cancer-predisposing syndrome. Also called: Hereditary Cancer Syndrome; Tumor predisposition; Hereditary neoplastic syndrome; Neoplastic Syndromes, Hereditary. Identifiers: Orphanet 140162, MedGen C0027672, MeSH D009386, MONDO:0015356.

Submission:

Ambry Genetics
Classification: Uncertain significance for Hereditary cancer-predisposing syndrome. Last evaluated: 2024-07-31. Review status: criteria provided, single submitter. Criteria: Ambry Variant Classification Scheme 2023. Collection method: clinical testing. Allele origin: germline.
Comment: The p.T1131A variant (also known as c.3391A>G), located in coding exon 24 of the MSH3 gene, results from an A to G substitution at nucleotide position 3391. The threonine at codon 1131 is replaced by alanine, an amino acid with similar properties. This amino acid position is conserved. In addition, this alteration is predicted to be tolerated by in silico analysis. Based on the available evidence, the clinical significance of this variant remains unclear.

NM_002439.5(MSH3):c.3391A>G (p.Thr1131Ala)

Gene: MSH3 (mutS homolog 3; plus strand). Cytogenetic location: 5q14.1.
Variant type: single nucleotide variant.
Coding change: c.3391A>G on transcript NM_002439.5 (MANE Select); coding-DNA position 3391, A replaced by G.
Protein change: p.Thr1131Ala; replaces threonine 1131 with alanine.
Molecular consequence: missense variant.
Genome position (GRCh38, 1-based): chr5:80,875,839, A>G. VCF-style: chr5-80875839-A-G. GRCh37 (hg19) VCF-style: chr5-80171658-A-G.
Other names: short protein forms T1131A.
Identifiers: ClinVar variation 3398704 (VCV003398704.1).